The following is an entry in ClinVar:

NM_005633.4(SOS1):c.3629G>A (p.Ser1210Asn)

Gene: SOS1 (SOS Ras/Rac guanine nucleotide exchange factor 1; minus strand). Cytogenetic location: 2p22.1.
Variant type: single nucleotide variant.
Coding change: c.3629G>A on transcript NM_005633.4 (MANE Select); coding-DNA position 3629, G replaced by A.
Protein change: p.Ser1210Asn; replaces serine 1210 with asparagine.
Molecular consequence: missense variant.
Genome position (GRCh38, 1-based): chr2:38,986,197, C>T on the plus strand (G>A on the coding strand, the complement: SOS1 is on the minus strand). VCF-style: chr2-38986197-C-T. GRCh37 (hg19) VCF-style: chr2-39213338-C-T.
Other names: c.3608G>A, p.Ser1203Asn (NM_001382394.1); c.3584G>A, p.Ser1195Asn (NM_001382395.1); short protein forms S1195N, S1203N, S1210N.
Identifiers: ClinVar variation 3371512 (VCV003371512.3).
Genomic context (GRCh38, chr2:38,986,197, plus strand): 5'-GGTGAGCTTGAGAAAACATCAGGTGTCCTCACAGGTTCTCGTGGTGGTAATAAGGGAGGG[C>T]TTTCAGGAGGGTCTGAGATAGAGGTCCGGTCTGATATTGAATATCGTGGTGAATAGGCTT-3'
Protein context (NP_005624.2, residues 1200-1220): DRTSISDPPE[Ser1210Asn]PPLLPPREPV

ClinVar aggregate classification (germline): Uncertain significance. Review status: criteria provided, multiple submitters, no conflicts (2 of 4 stars). 2 submissions from 2 submitters: Uncertain significance (2). Last evaluated 2026-04-01.

gnomAD v4.1: 1 of 1,613,580 alleles (0.000062%); highest among the groups gnomAD compares: Non-Finnish European, 0.000085%; no homozygotes.

Submissions (2):

CeGaT Center for Human Genetics Tuebingen
Classification: Uncertain significance. Last evaluated: 2026-04-01. Review status: criteria provided, single submitter. Criteria: CeGaT Center For Human Genetics Tuebingen Variant Classification Criteria Version 2. Collection method: clinical testing. Allele origin: germline. Affected: yes. Observed: 1 variant allele.
Comment: SOS1: PM2, BP4

GeneDx
Classification: Uncertain significance. Last evaluated: 2024-04-12. Review status: criteria provided, single submitter. Criteria: GeneDx Variant Classification Process June 2021. Collection method: clinical testing. Allele origin: germline. Affected: yes.
Comment: Not observed at significant frequency in large population cohorts (gnomAD); Missense variants in this gene are a common cause of disease and they are underrepresented in the general population; In silico analysis indicates that this missense variant does not alter protein structure/function; Has not been previously published as pathogenic or benign to our knowledge; This variant is associated with the following publications: (PMID: 29493581)